The following is an entry in ClinVar:

NM_020738.4(KIDINS220):c.3585+1G>A

Gene: KIDINS220 (kinase D interacting substrate 220; minus strand). Cytogenetic location: 2p25.1.
Variant type: single nucleotide variant.
Coding change: c.3585+1G>A on transcript NM_020738.4 (MANE Select); the canonical splice donor site of the intron after coding-DNA position 3585, G replaced by A.
Molecular consequence: splice donor variant. On other transcripts: intron variant (11).
Genome position (GRCh38, 1-based): chr2:8,747,144, C>T on the plus strand (G>A on the coding strand, the complement: KIDINS220 is on the minus strand). VCF-style: chr2-8747144-C-T. GRCh37 (hg19) VCF-style: chr2-8887274-C-T.
Other names: c.3414+2968G>A (NM_001348741.2, NM_001348742.2, NM_001348743.2 and 1 more transcripts); c.3528+743G>A (NM_001348738.2, NM_001348732.2); c.3417+2968G>A (NM_001348739.2, NM_001348740.2, NM_001348734.2); c.3531+743G>A (NM_001348731.2); c.3588+1G>A (NM_001348729.2); c.3288+2968G>A (NM_001348736.2).
Identifiers: ClinVar variation 1485655 (VCV001485655.28), dbSNP rs775189420, ClinGen allele CA1519594.
Genomic context (GRCh38, chr2:8,747,144, plus strand): 5'-TCATTACTGAGGCAGAAGCAATGAGATGCCAGCGATCCACACCACAGGACTACTCCATTA[C>T]CCTCGAGGAGTCTGTGGGTGAAGAAAGCCCCTCAGCAGCATCCTCCTTGATAACTTCCTA-3'

ClinVar aggregate classification (germline): Conflicting classifications of pathogenicity. Review status: criteria provided, conflicting classifications (1 of 4 stars). 3 submissions from 3 submitters: Likely pathogenic (1); Uncertain significance (1); Likely benign (1). Last evaluated 2025-07-30.

Conditions:
Early onset severe obesity. Identifiers: MedGen C4013980.

Allele frequency attached by ClinVar (database versions not stated): ExAC 0.00001; gnomAD exomes 0.00001.
gnomAD v4.1: 15 of 1,613,596 alleles (0.00093%); highest among the groups gnomAD compares: Non-Finnish European, 0.0012%; no homozygotes.

Submissions (3):

Cambridge Genomics Laboratory, East Genomic Laboratory Hub, NHS Genomic Medicine Service
Classification: Likely benign for Severe early-onset obesity. Last evaluated: 2025-07-30. Review status: criteria provided, single submitter. Criteria: ACGS Best Practice Guidelines for Variant Classification in Rare Disease 2020. Collection method: clinical testing. Allele origin: germline. Affected: yes.
Comment: PVS1_Moderate,BS1_Strong

CeGaT Center for Human Genetics Tuebingen
Classification: Uncertain significance. Last evaluated: 2024-01-01. Review status: criteria provided, single submitter. Criteria: CeGaT Center For Human Genetics Tuebingen Variant Classification Criteria Version 2. Collection method: clinical testing. Allele origin: germline. Affected: yes. Observed: 1 variant allele.
Comment: KIDINS220: PVS1:Moderate, BP5

Labcorp Genetics (formerly Invitae), Labcorp
Classification: Likely pathogenic. Last evaluated: 2021-10-08. Review status: criteria provided, single submitter. Criteria: Invitae Variant Classification Sherloc (09022015). Collection method: clinical testing. Allele origin: germline.
Comment: This variant is present in population databases (rs775189420, ExAC 0.001%). This sequence change affects a donor splice site in intron 26 of the KIDINS220 gene. It is expected to disrupt RNA splicing. Variants that disrupt the donor or acceptor splice site typically lead to a loss of protein function (PMID: 16199547), and loss-of-function variants in KIDINS220 are known to be pathogenic (PMID: 28934391, 32909676). This variant has not been reported in the literature in individuals affected with KIDINS220-related conditions. Algorithms developed to predict the effect of sequence changes on RNA splicing suggest that this variant may disrupt the consensus splice site. In summary, the currently available evidence indicates that the variant is pathogenic, but additional data are needed to prove that conclusively. Therefore, this variant has been classified as Likely Pathogenic.

Literature cited by the submitters: PubMed 16199547 (cited by Labcorp Genetics (formerly Invitae), Labcorp); PubMed 28934391 (cited by Labcorp Genetics (formerly Invitae), Labcorp); PubMed 32909676 (cited by Labcorp Genetics (formerly Invitae), Labcorp).